The following is an entry in ClinVar:

ClinVar aggregate classification (germline): Uncertain significance. Review status: criteria provided, multiple submitters, no conflicts (2 of 4 stars). 2 submissions from 2 submitters: Uncertain significance (2). Last evaluated 2025-02-26.

Conditions:
Duchenne muscular dystrophy (DMD). Also called: MUSCULAR DYSTROPHY, PSEUDOHYPERTROPHIC PROGRESSIVE, DUCHENNE TYPE; Duchenne Muscular Dystrophy (DMD). Identifiers: Orphanet 98896, MedGen C0013264, MONDO:0010679, OMIM 310200.
Cardiovascular phenotype. Identifiers: MedGen CN230736.

Submissions (3):

Ambry Genetics
Classification: Uncertain significance for Cardiovascular phenotype. Last evaluated: 2025-02-26. Review status: criteria provided, single submitter. Criteria: Ambry Variant Classification Scheme 2023. Collection method: clinical testing. Allele origin: germline.
Comment: The p.R1666L variant (also known as c.4997G>T), located in coding exon 35 of the DMD gene, results from a G to T substitution at nucleotide position 4997. The arginine at codon 1666 is replaced by leucine, an amino acid with dissimilar properties. This amino acid position is highly conserved in available vertebrate species. In addition, this alteration is predicted to be deleterious by in silico analysis. Based on the available evidence, the clinical significance of this variant remains unclear.

Labcorp Genetics (formerly Invitae), Labcorp
Classification: Uncertain significance for Duchenne muscular dystrophy. Last evaluated: 2024-09-15. Review status: criteria provided, single submitter. Criteria: Invitae Variant Classification Sherloc (09022015). Collection method: clinical testing. Allele origin: germline.
Comment: This sequence change replaces arginine, which is basic and polar, with leucine, which is neutral and non-polar, at codon 1666 of the DMD protein (p.Arg1666Leu). This variant is not present in population databases (gnomAD no frequency). This variant has not been reported in the literature in individuals affected with DMD-related conditions. Invitae Evidence Modeling of protein sequence and biophysical properties (such as structural, functional, and spatial information, amino acid conservation, physicochemical variation, residue mobility, and thermodynamic stability) indicates that this missense variant is not expected to disrupt DMD protein function with a negative predictive value of 95%. In summary, the available evidence is currently insufficient to determine the role of this variant in disease. Therefore, it has been classified as a Variant of Uncertain Significance.

Dr. Peter K. Rogan Lab, Western University
No classification provided (evidence only). Condition: Thyroid cancer, nonmedullary, 1. Review status: no classification provided. Collection method: in vitro. Allele origin: not applicable. Functional consequence: retained intron. Not counted in ClinVar's aggregate classification.

NM_004006.3(DMD):c.4997G>T (p.Arg1666Leu)

Gene: DMD (dystrophin; minus strand). Cytogenetic location: Xp21.1.
Variant type: single nucleotide variant.
Coding change: c.4997G>T on transcript NM_004006.3 (MANE Select); coding-DNA position 4997, G replaced by T.
Protein change: p.Arg1666Leu; replaces arginine 1666 with leucine.
Molecular consequence: missense variant.
Genome position (GRCh38, 1-based): chrX:32,365,048, C>A on the plus strand (G>T on the coding strand, the complement: DMD is on the minus strand). VCF-style: chrX-32365048-C-A. GRCh37 (hg19) VCF-style: chrX-32383165-C-A.
Other names: c.4973G>T, p.Arg1658Leu (NM_000109.4); c.4985G>T, p.Arg1662Leu (NM_004009.3); c.4628G>T, p.Arg1543Leu (NM_004010.3); c.974G>T, p.Arg325Leu (NM_004011.4); c.965G>T, p.Arg322Leu (NM_004012.4); short protein forms R1662L, R1543L, R1658L, R1666L, R322L, R325L.
Identifiers: ClinVar variation 2883383 (VCV002883383.5), dbSNP rs1047334468, ClinGen allele CA327995608.